The following is an entry in ClinVar:

ClinVar aggregate classification (germline): Likely benign. Review status: criteria provided, multiple submitters, no conflicts (2 of 4 stars). 3 submissions from 3 submitters: Likely benign (3). Last evaluated 2026-07-07.

Conditions:
UNC45A-related disorder. Also called: UNC45A-related condition.

Allele frequency attached by ClinVar (database versions not stated): ExAC 0.00048; gnomAD 0.00048 and 0.00049; gnomAD exomes 0.00054 and 0.00095; TOPMed 0.00057; ESP Exome Variant Server 0.00062.
gnomAD v4.1: 1,434 of 1,614,096 alleles (0.089%); highest among the groups gnomAD compares: Non-Finnish European, 0.11%; 3 homozygotes.

Submissions (3):

PreventionGenetics, part of Exact Sciences
Classification: Likely benign for UNC45A-related condition. Last evaluated: 2026-07-07. Review status: criteria provided, single submitter. Criteria: ACMG Guidelines, 2015. Collection method: clinical testing. Allele origin: germline.
Comment: This variant is classified as likely benign based on ACMG/AMP sequence variant interpretation guidelines (Richards et al. 2015 PMID: 25741868, with internal and published modifications).

Labcorp Genetics (formerly Invitae), Labcorp
Classification: Likely benign. Last evaluated: 2026-01-24. Review status: criteria provided, single submitter. Criteria: Invitae Variant Classification Sherloc (09022015). Collection method: clinical testing. Allele origin: germline.

Blueprint Genetics
Classification: Likely benign. Last evaluated: 2024-11-08. Review status: criteria provided, single submitter. Criteria: ACMG Guidelines, 2015. Collection method: clinical testing. Allele origin: germline.

NM_018671.5(UNC45A):c.774C>T (p.Cys258=)

Gene: UNC45A (unc-45 myosin chaperone A; plus strand). Cytogenetic location: 15q26.1.
Variant type: single nucleotide variant.
Coding change: c.774C>T on transcript NM_018671.5 (MANE Select); coding-DNA position 774, C replaced by T.
Protein change: p.Cys258=; no amino-acid change (cysteine 258 retained).
Molecular consequence: synonymous variant.
Genome position (GRCh38, 1-based): chr15:90,942,523, C>T. VCF-style: chr15-90942523-C-T. GRCh37 (hg19) VCF-style: chr15-91485753-C-T.
Other names: c.729C>T, p.Cys243= (NM_001039675.2, NM_001323621.2); c.774C>T, p.Cys258= (NM_001323619.1); c.339C>T, p.Cys113= (NM_001323620.2).
Identifiers: ClinVar variation 1554181 (VCV001554181.10), dbSNP rs148133490, ClinGen allele CA7742666.